The following is an entry in ClinVar:

ClinVar aggregate classification (germline): Uncertain significance. Review status: criteria provided, multiple submitters, no conflicts (2 of 4 stars). 2 submissions from 2 submitters: Uncertain significance (2). Last evaluated 2025-03-07.

Allele frequency attached by ClinVar (database versions not stated): TOPMed below 0.00001; gnomAD exomes 0.00001; ExAC 0.00002; gnomAD 0.00002.
gnomAD v4.1: 10 of 1,609,182 alleles (0.00062%); highest among the groups gnomAD compares: East Asian, 0.018%; no homozygotes.

Submissions (2):

Ambry Genetics
Classification: Uncertain significance. Last evaluated: 2025-03-07. Review status: criteria provided, single submitter. Criteria: Ambry Variant Classification Scheme 2023. Collection method: clinical testing. Allele origin: germline.

Labcorp Genetics (formerly Invitae), Labcorp
Classification: Uncertain significance. Last evaluated: 2022-04-24. Review status: criteria provided, single submitter. Criteria: Invitae Variant Classification Sherloc (09022015). Collection method: clinical testing. Allele origin: germline.
Comment: This sequence change replaces proline, which is neutral and non-polar, with serine, which is neutral and polar, at codon 1289 of the ELP1 protein (p.Pro1289Ser). This variant is present in population databases (rs767316416, gnomAD 0.04%). This variant has not been reported in the literature in individuals affected with ELP1-related conditions. Algorithms developed to predict the effect of missense changes on protein structure and function are either unavailable or do not agree on the potential impact of this missense change (SIFT: "Deleterious"; PolyPhen-2: "Probably Damaging"; Align-GVGD: "Class C0"). In summary, the available evidence is currently insufficient to determine the role of this variant in disease. Therefore, it has been classified as a Variant of Uncertain Significance.

NM_003640.5(ELP1):c.3865C>T (p.Pro1289Ser)

Gene: ELP1 (elongator acetyltransferase complex subunit 1; minus strand). Cytogenetic location: 9q31.3.
Variant type: single nucleotide variant.
Coding change: c.3865C>T on transcript NM_003640.5 (MANE Select); coding-DNA position 3865, C replaced by T.
Protein change: p.Pro1289Ser; replaces proline 1289 with serine.
Molecular consequence: missense variant.
Genome position (GRCh38, 1-based): chr9:108,874,961, G>A on the plus strand (C>T on the coding strand, the complement: ELP1 is on the minus strand). VCF-style: chr9-108874961-G-A. GRCh37 (hg19) VCF-style: chr9-111637241-G-A.
Other names: c.3523C>T, p.Pro1175Ser (NM_001318360.2); c.2818C>T, p.Pro940Ser (NM_001330749.2); short protein forms P1289S, P940S, P1175S.
Identifiers: ClinVar variation 2143891 (VCV002143891.2), dbSNP rs767316416, ClinGen allele CA5174148.